The following is an entry in ClinVar:

NM_194454.3(KRIT1):c.486-2A>T

Gene: KRIT1 (KRIT1 ankyrin repeat containing; minus strand). Cytogenetic location: 7q21.2.
Variant type: single nucleotide variant.
Coding change: c.486-2A>T on transcript NM_194454.3 (MANE Select); the canonical splice acceptor site of the intron before coding-DNA position 486, A replaced by T.
Molecular consequence: splice acceptor variant.
Genome position (GRCh38, 1-based): chr7:92,235,648, T>A on the plus strand (A>T on the coding strand, the complement: KRIT1 is on the minus strand). VCF-style: chr7-92235648-T-A. GRCh37 (hg19) VCF-style: chr7-91864962-T-A.
Other names: c.486-2A>T (NM_001350672.1, NM_001350676.1, NM_001350673.1 and 29 more transcripts); c.-98-2A>T (NM_001350671.1).
Identifiers: ClinVar variation 4722085 (VCV004722085.1).

ClinVar aggregate classification (germline): Pathogenic (1 of 4 stars; one submission).

Conditions:
Cerebral cavernous malformation (CCM). Also called: Cerebral cavernous malformations; Cavernous Hemangioma of Brain; CAVERNOUS ANGIOMA, FAMILIAL; CAVERNOUS ANGIOMATOUS MALFORMATIONS; CEREBRAL CAPILLARY MALFORMATIONS; Cerebral cavernous hemangioma (type). Identifiers: Orphanet 221061, MedGen C2919945, MONDO:0000820, OMIM 116860, HP:0033522.

Submission:

Labcorp Genetics (formerly Invitae), Labcorp
Classification: Pathogenic for Cerebral cavernous malformation. Last evaluated: 2025-06-24. Review status: criteria provided, single submitter. Criteria: Invitae Variant Classification Sherloc (09022015). Collection method: clinical testing. Allele origin: germline.
Comment: This sequence change affects an acceptor splice site in intron 8 of the KRIT1 gene. It is expected to disrupt RNA splicing. Variants that disrupt the donor or acceptor splice site typically lead to a loss of protein function (PMID: 16199547), and loss-of-function variants in KRIT1 are known to be pathogenic (PMID: 10508515, 11222804, 12404106, 24689081). This variant is not present in population databases (gnomAD no frequency). Disruption of this splice site has been observed in individuals with clinical features of cerebral cavernous malformations (PMID: 12404106; internal data). Algorithms developed to predict the effect of sequence changes on RNA splicing suggest that this variant may disrupt the consensus splice site. For these reasons, this variant has been classified as Pathogenic.

Literature cited by the submitters: PubMed 16199547; PubMed 10508515; PubMed 11222804; PubMed 12404106; PubMed 24689081.